The following is an entry in ClinVar:

ClinVar aggregate classification (germline): Pathogenic (1 of 4 stars; one submission).

Conditions:
T-cell immunodeficiency, congenital alopecia, and nail dystrophy. Also called: Congenital alopecia and nail dystrophy associated with severe functional T-cell immunodeficiency; Pignata Guarino syndrome. Identifiers: Orphanet 169095, MedGen C1866426, MONDO:0011132, OMIM 601705.

Submission:

Labcorp Genetics (formerly Invitae), Labcorp
Classification: Pathogenic for T-cell immunodeficiency, congenital alopecia, and nail dystrophy. Last evaluated: 2019-11-29. Review status: criteria provided, single submitter. Criteria: Invitae Variant Classification Sherloc (09022015). Collection method: clinical testing. Allele origin: germline.
Comment: This sequence change creates a premature translational stop signal (p.His457Leufs*25) in the FOXN1 gene. It is expected to result in an absent or disrupted protein product. This variant is not present in population databases (ExAC no frequency). This variant has not been reported in the literature in individuals with FOXN1-related conditions. Loss-of-function variants in FOXN1 are known to be pathogenic (PMID: 10206641, 15180707, 31447097). For these reasons, this variant has been classified as Pathogenic.

Literature cited by the submitters: PubMed 10206641; PubMed 15180707; PubMed 31447097.

NM_001369369.1(FOXN1):c.1366_1369dup (p.His457fs)

Gene: FOXN1 (forkhead box N1; plus strand). Cytogenetic location: 17q11.2.
Variant type: Duplication.
Coding change: c.1366_1369dup on transcript NM_001369369.1 (MANE Select); coding-DNA positions 1366 to 1369, 4 bases duplicated (TTGC; older notation c.1366_1369dupTTGC).
Protein change: p.His457fs; shifts the reading frame from histidine 457.
Molecular consequence: frameshift variant.
Genome position (GRCh38, 1-based): chr17:28,534,937-28,534,940, TTGC duplicated; duplicating any 4 consecutive bases within chr17:28,534,936-28,534,940 gives the same sequence; the c. name uses the placement nearest the transcript's 3' end. VCF-style (leftmost placement, unchanged base first): chr17-28534935-A-ACTTG. GRCh37 (hg19) VCF-style: chr17-26861953-A-ACTTG.
Other names: c.1366_1369dup, p.His457fs (NM_003593.3); short protein forms H457fs.
Identifiers: ClinVar variation 862162 (VCV000862162.2), dbSNP rs2070018439, ClinGen allele CA916081981.